The following is an entry in ClinVar:

ClinVar aggregate classification (germline): Conflicting classifications of pathogenicity. Review status: criteria provided, conflicting classifications (1 of 4 stars). 4 submissions from 4 submitters: Uncertain significance (2); Likely benign (2). Last evaluated 2025-09-25.

Conditions:
Developmental and epileptic encephalopathy, 36 (DEE36). Also called: Congenital disorder of glycosylation, type Is; Epileptic encephalopathy, early infantile, 36; ALG13-CDG. Identifiers: Orphanet 324422, MedGen C4317295, MONDO:0010472, OMIM 300884.
Inborn genetic diseases. Identifiers: MedGen C0950123, MeSH D030342.

Allele frequency attached by ClinVar (database versions not stated): gnomAD exomes below 0.00001; gnomAD 0.00001; TOPMed 0.00004.
gnomAD v4.1: 3 of 1,192,332 alleles (0.00025%); highest among the groups gnomAD compares: Admixed American, 0.0069%; no homozygotes.

Submissions (4):

Labcorp Genetics (formerly Invitae), Labcorp
Classification: Likely benign for Developmental and epileptic encephalopathy, 36. Last evaluated: 2025-09-25. Review status: criteria provided, single submitter. Criteria: Invitae Variant Classification Sherloc (09022015). Collection method: clinical testing. Allele origin: germline.

Athena Diagnostics
Classification: Uncertain significance. Last evaluated: 2019-12-17. Review status: criteria provided, single submitter. Criteria: Athena Diagnostics Criteria. Collection method: clinical testing. Allele origin: unknown.

Ambry Genetics
Classification: Likely benign for Inborn genetic diseases. Last evaluated: 2017-06-30. Review status: criteria provided, single submitter. Criteria: Ambry Variant Classification Scheme 2023. Collection method: clinical testing. Allele origin: germline.

GeneDx
Classification: Uncertain significance. Last evaluated: 2016-05-31. Review status: criteria provided, single submitter. Criteria: GeneDx Variant Classification (06012015). Collection method: clinical testing. Allele origin: germline. Affected: yes.
Comment: A variant of uncertain significance has been identified in the ALG13 gene. The A406V variant has not been published as a pathogenic variant, nor has it been reported as a benign variant to our knowledge. It was not observed in approximately 5,100 individuals of European and African American ancestry in the NHLBI Exome Sequencing Project, indicating it is not a common benign variant in these populations. The A406V variant is a conservative amino acid substitution, which is not likely to impact secondary protein structure as these residues share similar properties. This substitution occurs at a position that is not conserved, and in silico analysis predicts this variant likely does not alter the protein structure/function. Based on the currently available information, it is unclear whether this variant is a pathogenic variant or a rare benign variant.

NM_001099922.3(ALG13):c.1217C>T (p.Ala406Val)

Gene: ALG13 (ALG13 UDP-N-acetylglucosaminyltransferase subunit; plus strand). Cytogenetic location: Xq23.
Variant type: single nucleotide variant.
Coding change: c.1217C>T on transcript NM_001099922.3 (MANE Select); coding-DNA position 1217, C replaced by T.
Protein change: p.Ala406Val; replaces alanine 406 with valine.
Molecular consequence: missense variant. On other transcripts: non-coding transcript variant (1).
Genome position (GRCh38, 1-based): chrX:111,718,241, C>T. VCF-style: chrX-111718241-C-T. GRCh37 (hg19) VCF-style: chrX-110961469-C-T.
Other names: c.905C>T, p.Ala302Val (NM_001257230.2, NM_001257234.2, NM_001257237.2 and 1 more transcripts); c.983C>T, p.Ala328Val (NM_001257231.2); c.1217C>T, p.Ala406Val (NM_001324292.2); short protein forms A406V, A302V, A328V.
Identifiers: ClinVar variation 386580 (VCV000386580.13), dbSNP rs1057522541, ClinGen allele CA16608244.